The following is an entry in ClinVar:

ClinVar aggregate classification (germline): Pathogenic/Likely pathogenic. Review status: criteria provided, multiple submitters, no conflicts (2 of 4 stars). 8 submissions from 8 submitters: Pathogenic (6); Likely pathogenic (1). 1 of the submissions does not count toward it. Last evaluated 2026-09-01.

Conditions:
Childhood hypophosphatasia. Identifiers: Orphanet 247667, Orphanet 436, MedGen C0220743, MONDO:1010168, OMIM 241510, MONDO:0009428.
Infantile hypophosphatasia. Identifiers: Orphanet 247651, Orphanet 436, MedGen C0268412, MONDO:1010169, OMIM 241500, MONDO:0009427.
Adult hypophosphatasia. Identifiers: Orphanet 247676, Orphanet 436, MedGen C0268413, MONDO:1010154, OMIM 146300, MONDO:0007798.
Hypophosphatasia. Also called: Phosphoethanol-aminuria. Identifiers: Orphanet 436, MedGen C0020630, MeSH D007014, MONDO:0018570.

Submissions (8):

Genomenon, Inc
Classification: Pathogenic for Hypophosphatasia. Last evaluated: 2026-09-01. Review status: criteria provided, single submitter. Criteria: Genomenon Sequence Variant Interpretation Standards - Updated. Collection method: curation. Allele origin: germline. Affected: yes.
Comment: ALPL p.Ser368del (c.1101_1103del) is an in-frame deletion that results in the loss of Serine at codon 368. This variant has been observed in at least one proband affected with an ALPL-related disorder (PMID:36361766;37107680;35726512;33827627;34164522). At least one functional study has demonstrated a substantial alteration in protein function relative to the wild-type (PMID:37422472). It is absent or not present at a significant frequency in gnomAD. In conclusion, we classify ALPL p.Ser368del (c.1101_1103del) as a pathogenic variant.

Women's Health and Genetics/Laboratory Corporation of America, LabCorp
Classification: Pathogenic for Hypophosphatasia. Last evaluated: 2026-04-23. Review status: criteria provided, single submitter. Criteria: LabCorp Variant Classification Summary - May 2015. Collection method: clinical testing. Allele origin: germline.
Comment: Variant summary: ALPL c.1101_1103delCTC (p.Ser368del) results in an in-frame deletion that is predicted to remove one amino acid from the encoded protein. The variant was absent in 251488 control chromosomes. c.1101_1103delCTC has been observed in multiple compound heterozygous individuals affected with infantile or childhood hypophosphatasia (e.g. Su_ 2021, Zhao_ 2013, Zhang_2023, Zhu_2022, Zhu_2021, Glotov_2022) and has shown predominant autosomal recessive inheritance in the literature. The variant was also observed in an isolated heterozygous case in an individual affected with adult-onset hypophosphatasia involving early loss of permanent teeth (e.g. Li_2023). However, many heterozygous parents of affected compound heterozygous individuals reported here were phenotypically unaffected. These data indicate that the variant is very likely to be associated with disease. Multiple publications report experimental evidence evaluating an impact on protein function showing reduced enzyme activity in vitro (e.g. Su_2021, Yu_2023). The following publications have been ascertained in the context of this evaluation (PMID: 36361766, 37107680, 34164522, 37422472, 37489029, 24378058, 33777394, 35726512). ClinVar contains an entry for this variant (Variation ID: 545020). Based on the evidence outlined above, the variant was classified as pathogenic for Autosomal Recessive and Autosomal Dominant Hypophosphatasia.

Labcorp Genetics (formerly Invitae), Labcorp
Classification: Pathogenic. Last evaluated: 2025-11-06. Review status: criteria provided, single submitter. Criteria: Invitae Variant Classification Sherloc (09022015). Collection method: clinical testing. Allele origin: germline.
Comment: This variant, c.1101_1103del, results in the deletion of 1 amino acid(s) of the ALPL protein (p.Ser368del), but otherwise preserves the integrity of the reading frame. This variant is not present in population databases (gnomAD no frequency). This variant has been observed in individual(s) with autosomal recessive hypophosphatasia (PMID: 24378058, 34164522). In at least one individual the data is consistent with being in trans (on the opposite chromosome) from a pathogenic variant. This variant is also known as c.1097_1099delCCT. Algorithms developed to predict the effect of variants on gene product structure and function are not available or were not evaluated for this variant. Experimental studies have shown that this variant affects ALPL function (PMID: 34164522). For these reasons, this variant has been classified as Pathogenic.

Natera, Inc.
Classification: Pathogenic for Hypophosphatasia. Last evaluated: 2024-08-27. Review status: criteria provided, single submitter. Criteria: Natera Variant Classification Schema (03/2026). Collection method: clinical testing. Allele origin: germline.
Comment: The c.1101_1103del variant in ALPL is an in-frame deletion predicted to remove serine at amino acid 368 while preserving the reading frame. This variant is rare in the general population with a frequency below the threshold expected for the associated phenotype(s). This variant has been observed in one or more individuals affected with the associated recessive disease, as either homozygous or compound heterozygous with a second variant (PMID: 33240318, 34164522, 37489029). This variant results in a change to the protein length while preserving reading frame, which may disrupt normal protein structure or function. Computational prediction algorithms indicate this variant is likely to affect gene or protein function. Given the available evidence, this variant is classified as Pathogenic.

Baylor Genetics
Classification: Pathogenic for Adult hypophosphatasia. Last evaluated: 2024-03-28. Review status: criteria provided, single submitter. Criteria: ACMG Guidelines, 2015. Collection method: clinical testing. Allele origin: unknown.

JKU Lab, Dept of Paediatrics, Johannes Kepler University
Classification: Pathogenic for Hypophosphatasia. Last evaluated: 2023-02-14. Review status: criteria provided, single submitter. Criteria: ACMG Guidelines, 2015. Collection method: clinical testing. Allele origin: germline. Affected: yes. Observed: 1 compound heterozygote.
Comment: Absent in GnomAD. The ACMG criteria applied can be looked up in the ALPL gene variant database.

Juno Genomics, Hangzhou Juno Genomics, Inc
Classification: Likely pathogenic for Adult hypophosphatasia; Childhood hypophosphatasia; Infantile hypophosphatasia. Review status: criteria provided, single submitter. Criteria: ACMG Guidelines, 2015. Collection method: clinical testing. Allele origin: germline.
Comment: Absent from controls (or at extremely low frequency if recessive) in Genome Aggregation Database.;Protein length changes due to in-frame deletions/insertions in a non-repeat region or stop-loss variants.;For recessive disorders, detected in trans with a pathogenic variant.

Children's Hospital of Soochow University, Soochow University
Classification: Pathogenic for Infantile hypophosphatasia. Last evaluated: 2018-02-26. Review status: no assertion criteria provided. Collection method: clinical testing. Allele origin: paternal. Inheritance: Autosomal recessive inheritance. Affected: yes. Observed: 1 variant allele, 1 compound heterozygote. Not counted in ClinVar's aggregate classification.

Literature cited by the submitters: PubMed 36361766 (cited by Genomenon, Inc and Women's Health and Genetics/Laboratory Corporation of America, LabCorp); PubMed 37107680 (cited by Genomenon, Inc and Women's Health and Genetics/Laboratory Corporation of America, LabCorp); PubMed 35726512 (cited by Genomenon, Inc and Women's Health and Genetics/Laboratory Corporation of America, LabCorp); PubMed 33827627 (cited by Genomenon, Inc and JKU Lab, Dept of Paediatrics, Johannes Kepler University); PubMed 34164522 (cited by 4 submitters); PubMed 37422472 (cited by Genomenon, Inc and Women's Health and Genetics/Laboratory Corporation of America, LabCorp); PubMed 24378058 (cited by Women's Health and Genetics/Laboratory Corporation of America, LabCorp and Labcorp Genetics (formerly Invitae), Labcorp); PubMed 37489029 (cited by Women's Health and Genetics/Laboratory Corporation of America, LabCorp and Natera, Inc.); PubMed 33777394 (cited by Women's Health and Genetics/Laboratory Corporation of America, LabCorp); PubMed 33240318 (cited by Natera, Inc.).

NM_000478.6(ALPL):c.1098CTC[1] (p.Ser368del)

Gene: ALPL (alkaline phosphatase, biomineralization associated; plus strand). Cytogenetic location: 1p36.12.
Variant type: Microsatellite.
Coding change: c.1098CTC[1] on transcript NM_000478.6 (MANE Select); one copy of the 3-base unit CTC starting at c.1098; the reference has two copies in a row; one copy, 3 bases deleted; also written c.1101_1103del.
Protein change: p.Ser368del; deletes serine 368.
Molecular consequence: inframe deletion.
Genome position (GRCh38, 1-based): chr1:21,575,836-21,575,838, CTC deleted; deleting any 3 consecutive bases within chr1:21,575,832-21,575,838 gives the same sequence; the position shown is the placement nearest the transcript's 3' end. VCF-style (leftmost placement, unchanged base first): chr1-21575831-ACCT-A. GRCh37 (hg19) VCF-style: chr1-21902324-ACCT-A.
Other names: c.1101_1103delCTC (NM_000478.6); c.933CTC[1], p.Ser313del (NM_001127501.4); c.867CTC[1], p.Ser291del (NM_001177520.3); c.1098CTC[1], p.Ser368del (NM_001369803.2, NM_001369804.2, NM_001369805.2); c.1101_1103del (NM_000478.6); short protein forms S368del, S291del, S313del.
Identifiers: ClinVar variation 545020 (VCV000545020.17), dbSNP rs1558557341, ClinGen allele CA891842433.
Genomic context (GRCh38, chr1:21,575,831, plus strand): 5'-AAGCAGGCCCTGCATGAGGCGGTGGAGATGGACCGGGCCATCGGGCAGGCAGGCAGCTTG[ACCT>A]CCTCGGAAGACACTCTGACCGTGGTCACTGCGGACCATTCCCACGTCTTCACATTTGGTG-3'